The following is an entry in ClinVar:

NM_003140.3(SRY):c.570del (p.Ser191fs)

Gene: SRY (sex determining region Y; minus strand). Cytogenetic location: Yp11.2.
Variant type: Deletion.
Coding change: c.570del on transcript NM_003140.3 (MANE Select); coding-DNA position 570, one base deleted (C; older notation c.570delC).
Protein change: p.Ser191fs; shifts the reading frame from serine 191.
Molecular consequence: frameshift variant.
Genome position (GRCh38, 1-based): chrY:2,787,034, G deleted on the plus strand (C on the coding strand, the reverse complement: SRY is on the minus strand). VCF-style (leftmost placement, unchanged base first): chrY-2787033-AG-A. GRCh37 (hg19) VCF-style: chrY-2655074-AG-A.
Other names: short protein forms S191fs.
Identifiers: ClinVar variation 652674 (VCV000652674.8), dbSNP rs1603308285, ClinGen allele CA915952139.

ClinVar aggregate classification (germline): Uncertain significance (1 of 4 stars; one submission).

Conditions:
46,XY sex reversal 1. Also called: SRY-related 46,XY complete gonadal dysgenesis; 46,XY SEX REVERSAL, SRY-RELATED. Identifiers: Orphanet 242, MedGen C2748896, MONDO:0020712, OMIM 400044.

Submission:

Labcorp Genetics (formerly Invitae), Labcorp
Classification: Uncertain significance for 46,XY sex reversal 1. Last evaluated: 2022-11-02. Review status: criteria provided, single submitter. Criteria: Invitae Variant Classification Sherloc (09022015). Collection method: clinical testing. Allele origin: germline.
Comment: In summary, the available evidence is currently insufficient to determine the role of this variant in disease. Therefore, it has been classified as a Variant of Uncertain Significance. Experimental studies and prediction algorithms are not available or were not evaluated, and the functional significance of this variant is currently unknown. ClinVar contains an entry for this variant (Variation ID: 652674). This variant has not been reported in the literature in individuals affected with SRY-related conditions. The frequency data for this variant in the population databases is considered unreliable, as metrics indicate insufficient coverage at this position in the gnomAD database. This sequence change creates a premature translational stop signal (p.Ser191Hisfs*19) in the SRY gene. While this is not anticipated to result in nonsense mediated decay, it is expected to disrupt the last 14 amino acid(s) of the SRY protein.